The following is an entry in ClinVar:

ClinVar aggregate classification (germline): Likely benign (0 of 4 stars; one submission).

Conditions:
ZBTB17-related disorder. Also called: ZBTB17-related condition.

Allele frequency attached by ClinVar (database versions not stated): gnomAD exomes 0.00002; ExAC 0.00003; gnomAD 0.00003; TOPMed 0.00005.
gnomAD v4.1: 27 of 1,610,472 alleles (0.0017%); highest among the groups gnomAD compares: East Asian, 0.0045%; no homozygotes.

Submission:

PreventionGenetics, part of Exact Sciences
Classification: Likely benign for ZBTB17-related condition. Last evaluated: 2019-05-10. Review status: no assertion criteria provided. Collection method: clinical testing. Allele origin: germline.
Comment: This variant is classified as likely benign based on ACMG/AMP sequence variant interpretation guidelines (Richards et al. 2015 PMID: 25741868, with internal and published modifications).

NM_003443.3(ZBTB17):c.507C>T (p.Arg169=)

Gene: ZBTB17 (zinc finger and BTB domain containing 17; minus strand). Cytogenetic location: 1p36.13.
Variant type: single nucleotide variant.
Coding change: c.507C>T on transcript NM_003443.3 (MANE Select); coding-DNA position 507, C replaced by T.
Protein change: p.Arg169=; no amino-acid change (arginine 169 retained).
Molecular consequence: synonymous variant.
Genome position (GRCh38, 1-based): chr1:15,946,182, G>A on the plus strand (C>T on the coding strand, the complement: ZBTB17 is on the minus strand). VCF-style: chr1-15946182-G-A. GRCh37 (hg19) VCF-style: chr1-16272677-G-A.
Other names: c.261C>T, p.Arg87= (NM_001242884.2); c.507C>T, p.Arg169= (NM_001287603.2); c.279C>T, p.Arg93= (NM_001287604.2, NM_001324137.2); c.318C>T, p.Arg106= (NM_001324138.2).
Identifiers: ClinVar variation 3037326 (VCV003037326.2), dbSNP rs765796064, ClinGen allele CA621422.
Genomic context (GRCh38, chr1:15,946,182, plus strand): 5'-ACAGCCGGCTGGGTCCTTGGCATCTGACTCACCGCTGGCCGCACTCTGGGCCTGACCGCC[G>A]CGCTCCTCCTTGAGGTCCCTGCTGGGGCCTATGGGTGTGCTGCGTCCTGCCTGCTCCAGC-3'
Protein context (NP_003434.2, residues 159-179): IGPSRDLKEE[Arg169=]GGQAQSAASG